The following is an entry in ClinVar:

NM_133497.4(KCNV2):c.1186G>T (p.Gly396Ter)

Gene: KCNV2 (potassium voltage-gated channel modifier subfamily V member 2; plus strand). Cytogenetic location: 9p24.2.
Variant type: single nucleotide variant.
Coding change: c.1186G>T on transcript NM_133497.4 (MANE Select); coding-DNA position 1186, G replaced by T.
Protein change: p.Gly396Ter; replaces glycine 396 with a stop codon.
Molecular consequence: nonsense.
Genome position (GRCh38, 1-based): chr9:2,718,925, G>T. VCF-style: chr9-2718925-G-T. GRCh37 (hg19) VCF-style: chr9-2718925-G-T.
Other names: short protein forms G396*.
Identifiers: ClinVar variation 813184 (VCV000813184.48), dbSNP rs138924201, ClinGen allele CA4965812.

ClinVar aggregate classification (germline): Pathogenic. Review status: criteria provided, multiple submitters, no conflicts (2 of 4 stars). 4 submissions from 4 submitters: Pathogenic (4). Last evaluated 2025-04-22.

Conditions:
Cone dystrophy. Identifiers: Orphanet 1871, MedGen C0730290, MONDO:0000455.
KCNV2-related disorder. Also called: KCNV2-related condition.

Allele frequency attached by ClinVar (database versions not stated): TOPMed 0.00001; ESP Exome Variant Server 0.00008.

Submissions (4):

PreventionGenetics, part of Exact Sciences
Classification: Pathogenic for KCNV2-related condition. Last evaluated: 2025-04-22. Review status: criteria provided, single submitter. Criteria: ACMG Guidelines, 2015. Collection method: clinical testing. Allele origin: germline.
Comment: The KCNV2 c.1186G>T variant is predicted to result in premature protein termination (p.Gly396*). This variant has been reported in an individual with cone dystrophy along with a deletion in the gene (Table S2, Weisschuh et al. 2020. PubMed ID: 32531858). This variant is reported in 0.00088% of alleles in individuals of European (Non-Finnish) descent in gnomAD. Nonsense variants in KCNV2 are expected to be pathogenic. This variant is interpreted as pathogenic.

Labcorp Genetics (formerly Invitae), Labcorp
Classification: Pathogenic. Last evaluated: 2023-11-27. Review status: criteria provided, single submitter. Criteria: Invitae Variant Classification Sherloc (09022015). Collection method: clinical testing. Allele origin: germline.
Comment: This sequence change creates a premature translational stop signal (p.Gly396*) in the KCNV2 gene. It is expected to result in an absent or disrupted protein product. Loss-of-function variants in KCNV2 are known to be pathogenic (PMID: 16909397, 18235024). The frequency data for this variant in the population databases is considered unreliable, as metrics indicate poor data quality at this position in the gnomAD database. This variant has not been reported in the literature in individuals affected with KCNV2-related conditions. ClinVar contains an entry for this variant (Variation ID: 813184). For these reasons, this variant has been classified as Pathogenic.

Molecular Genetics Laboratory, Institute for Ophthalmic Research
Classification: Pathogenic for Cone/cone-rod dystrophy. Last evaluated: 2020-01-09. Review status: criteria provided, single submitter. Criteria: ACMG Guidelines, 2015. Collection method: research. Allele origin: germline. Affected: yes.

CeGaT Center for Human Genetics Tuebingen
Classification: Pathogenic. Last evaluated: 2018-12-01. Review status: criteria provided, single submitter. Criteria: CeGaT Center For Human Genetics Tuebingen Variant Classification Criteria Version 2. Collection method: clinical testing. Allele origin: germline. Affected: yes. Observed: 4 variant alleles.

Literature cited by the submitters: PubMed 16909397 (cited by Labcorp Genetics (formerly Invitae), Labcorp); PubMed 18235024 (cited by Labcorp Genetics (formerly Invitae), Labcorp).